The following is an entry in ClinVar:

NM_000465.4(BARD1):c.619A>C (p.Lys207Gln)

Gene: BARD1 (BRCA1 associated RING domain 1; minus strand). Cytogenetic location: 2q35.
Variant type: single nucleotide variant.
Coding change: c.619A>C on transcript NM_000465.4 (MANE Select); coding-DNA position 619, A replaced by C.
Protein change: p.Lys207Gln; replaces lysine 207 with glutamine.
Molecular consequence: missense variant. On other transcripts: non-coding transcript variant (2), intron variant (3).
Genome position (GRCh38, 1-based): chr2:214,781,255, T>G on the plus strand (A>C on the coding strand, the complement: BARD1 is on the minus strand). VCF-style: chr2-214781255-T-G. GRCh37 (hg19) VCF-style: chr2-215645979-T-G.
Other names: c.562A>C, p.Lys188Gln (NM_001282543.2); c.158+28157A>C (NM_001282548.2); c.215+15806A>C (NM_001282545.2); c.364+11042A>C (NM_001282549.2); short protein forms K207Q, K188Q.
Identifiers: ClinVar variation 482812 (VCV000482812.15), dbSNP rs1156792714, ClinGen allele CA350456672.

ClinVar aggregate classification (germline): Uncertain significance. Review status: criteria provided, multiple submitters, no conflicts (2 of 4 stars). 3 submissions from 3 submitters: Uncertain significance (3). Last evaluated 2025-11-30.

Conditions:
Familial cancer of breast. Also called: BREAST CANCER, FAMILIAL; Hereditary breast cancer; hereditary breast carcinoma. Identifiers: Orphanet 227535, MedGen C0346153, MONDO:0016419, OMIM 114480. Disease mechanism: loss of function.
Hereditary cancer-predisposing syndrome. Also called: Neoplastic Syndromes, Hereditary; Tumor predisposition; Hereditary Cancer Syndrome; Hereditary neoplastic syndrome. Identifiers: Orphanet 140162, MedGen C0027672, MeSH D009386, MONDO:0015356.

Allele frequency attached by ClinVar (database versions not stated): TOPMed below 0.00001.

Submissions (3):

Ambry Genetics
Classification: Uncertain significance for Hereditary cancer-predisposing syndrome. Last evaluated: 2025-11-30. Review status: criteria provided, single submitter. Criteria: Ambry Variant Classification Scheme 2023. Collection method: clinical testing. Allele origin: germline.
Comment: The p.K207Q variant (also known as c.619A>C), located in coding exon 4 of the BARD1 gene, results from an A to C substitution at nucleotide position 619. The lysine at codon 207 is replaced by glutamine, an amino acid with similar properties. This amino acid position is not well conserved in available vertebrate species. In addition, this alteration is predicted to be tolerated by in silico analysis. Since supporting evidence is limited at this time, the clinical significance of this alteration remains unclear.

Labcorp Genetics (formerly Invitae), Labcorp
Classification: Uncertain significance for Familial cancer of breast. Last evaluated: 2025-01-24. Review status: criteria provided, single submitter. Criteria: Invitae Variant Classification Sherloc (09022015). Collection method: clinical testing. Allele origin: germline.
Comment: This sequence change replaces lysine, which is basic and polar, with glutamine, which is neutral and polar, at codon 207 of the BARD1 protein (p.Lys207Gln). This variant is not present in population databases (gnomAD no frequency). This variant has not been reported in the literature in individuals affected with BARD1-related conditions. ClinVar contains an entry for this variant (Variation ID: 482812). An algorithm developed to predict the effect of missense changes on protein structure and function outputs the following: PolyPhen-2: "Benign". The glutamine amino acid residue is found in multiple mammalian species, which suggests that this missense change does not adversely affect protein function. In summary, the available evidence is currently insufficient to determine the role of this variant in disease. Therefore, it has been classified as a Variant of Uncertain Significance.

Baylor Genetics
Classification: Uncertain significance for Familial cancer of breast. Last evaluated: 2023-11-27. Review status: criteria provided, single submitter. Criteria: ACMG Guidelines, 2015. Collection method: clinical testing. Allele origin: unknown.